The following is an entry in ClinVar:

NM_015978.3(TNNI3K):c.2417C>A (p.Pro806His)

Genes: FPGT-TNNI3K (FPGT-TNNI3K readthrough; plus strand), TNNI3K (TNNI3 interacting kinase; plus strand). Cytogenetic location: 1p31.1.
Variant type: single nucleotide variant.
Coding change: c.2417C>A on transcript NM_015978.3 (MANE Select); coding-DNA position 2417, C replaced by A.
Protein change: p.Pro806His; replaces proline 806 with histidine.
Molecular consequence: missense variant.
Genome position (GRCh38, 1-based): chr1:74,540,299, C>A. VCF-style: chr1-74540299-C-A. GRCh37 (hg19) VCF-style: chr1-75005983-C-A.
Other names: c.2720C>A, p.Pro907His (NM_001112808.3); short protein forms P806H, P907H.
Identifiers: ClinVar variation 3675509 (VCV003675509.2).
Genomic context (GRCh38, chr1:74,540,299, plus strand): 5'-GACAATATTCCTCTCAAGGTCTGTCTTTGGAGGAGATGAAAAGAAGTCTTCAATACACAC[C>A]CATTGACAAATATGGTAAGTAGGCAGATTCTTTAGGTTTGTTAAGAAAACTACCCCTAGG-3'
Protein context (NP_057062.1, residues 796-816): EEMKRSLQYT[Pro806His]IDKYGYVSDP

ClinVar aggregate classification (germline): Uncertain significance (1 of 4 stars; one submission).

gnomAD v4.1: 3 of 1,611,460 alleles (0.00019%); highest among the groups gnomAD compares: Non-Finnish European, 0.00017%; no homozygotes.

Submission:

Labcorp Genetics (formerly Invitae), Labcorp
Classification: Uncertain significance. Last evaluated: 2024-06-06. Review status: criteria provided, single submitter. Criteria: Invitae Variant Classification Sherloc (09022015). Collection method: clinical testing. Allele origin: germline.
Comment: This sequence change replaces proline, which is neutral and non-polar, with histidine, which is basic and polar, at codon 806 of the TNNI3K protein (p.Pro806His). The frequency data for this variant in the population databases is considered unreliable, as metrics indicate poor data quality at this position in the gnomAD database. This variant has not been reported in the literature in individuals affected with TNNI3K-related conditions. An algorithm developed to predict the effect of missense changes on protein structure and function (PolyPhen-2) suggests that this variant is likely to be tolerated. In summary, the available evidence is currently insufficient to determine the role of this variant in disease. Therefore, it has been classified as a Variant of Uncertain Significance.